The following is an entry in ClinVar:

NM_207111.4(RNF216):c.971A>G (p.Asn324Ser)

Gene: RNF216 (ring finger protein 216; minus strand). Cytogenetic location: 7p22.1.
Variant type: single nucleotide variant.
Coding change: c.971A>G on transcript NM_207111.4 (MANE Select); coding-DNA position 971, A replaced by G.
Protein change: p.Asn324Ser; replaces asparagine 324 with serine.
Molecular consequence: missense variant.
Genome position (GRCh38, 1-based): chr7:5,741,046, T>C on the plus strand (A>G on the coding strand, the complement: RNF216 is on the minus strand). VCF-style: chr7-5741046-T-C. GRCh37 (hg19) VCF-style: chr7-5780677-T-C.
Other names: c.800A>G, p.Asn267Ser (NM_001377156.1, NM_207116.3); c.971A>G (NM_207111.3); short protein forms N267S, N324S.
Identifiers: ClinVar variation 1380679 (VCV001380679.7), dbSNP rs148428368, ClinGen allele CA4148404.

ClinVar aggregate classification (germline): Uncertain significance. Review status: criteria provided, multiple submitters, no conflicts (2 of 4 stars). 2 submissions from 2 submitters: Uncertain significance (2). Last evaluated 2025-04-10.

Conditions:
Inborn genetic diseases. Identifiers: MedGen C0950123, MeSH D030342.

Allele frequency attached by ClinVar (database versions not stated): ESP Exome Variant Server 0.00015; 1000 Genomes Project 30x 0.00016.
gnomAD v4.1: 66 of 1,614,120 alleles (0.0041%); highest among the groups gnomAD compares: African/African-American, 0.057%; 1 homozygote.

Submissions (2):

Ambry Genetics
Classification: Uncertain significance for Inborn genetic diseases. Last evaluated: 2025-04-10. Review status: criteria provided, single submitter. Criteria: Ambry Variant Classification Scheme 2023. Collection method: clinical testing. Allele origin: germline.

Labcorp Genetics (formerly Invitae), Labcorp
Classification: Uncertain significance. Last evaluated: 2022-10-12. Review status: criteria provided, single submitter. Criteria: Invitae Variant Classification Sherloc (09022015). Collection method: clinical testing. Allele origin: germline.
Comment: In summary, the available evidence is currently insufficient to determine the role of this variant in disease. Therefore, it has been classified as a Variant of Uncertain Significance. Algorithms developed to predict the effect of missense changes on protein structure and function output the following: SIFT: "Tolerated"; PolyPhen-2: "Benign"; Align-GVGD: "Class C0". The serine amino acid residue is found in multiple mammalian species, which suggests that this missense change does not adversely affect protein function. ClinVar contains an entry for this variant (Variation ID: 1380679). This variant has not been reported in the literature in individuals affected with RNF216-related conditions. This variant is present in population databases (rs148428368, gnomAD 0.04%). This sequence change replaces asparagine, which is neutral and polar, with serine, which is neutral and polar, at codon 324 of the RNF216 protein (p.Asn324Ser).